The following is an entry in ClinVar:

NM_001371928.1(AHDC1):c.1167del (p.Arg389fs)

Gene: AHDC1 (AT-hook DNA binding motif containing 1; minus strand). Cytogenetic location: 1p36.11.
Variant type: Deletion.
Coding change: c.1167del on transcript NM_001371928.1 (MANE Select); coding-DNA position 1167, one base deleted (G; older notation c.1167delG).
Protein change: p.Arg389fs; shifts the reading frame from arginine 389.
Molecular consequence: frameshift variant.
Genome position (GRCh38, 1-based): chr1:27,550,949, C deleted on the plus strand (G on the coding strand, the reverse complement: AHDC1 is on the minus strand); the first of 2 consecutive C bases (chr1:27,550,949-27,550,950); deleting either gives the same sequence. VCF-style (leftmost placement, unchanged base first): chr1-27550948-GC-G. GRCh37 (hg19) VCF-style: chr1-27877459-GC-G.
Other names: c.1167del, p.Arg389fs (NM_001029882.3); short protein forms R389fs.
Identifiers: ClinVar variation 545918 (VCV000545918.4), dbSNP rs1553159581, ClinGen allele CA658821004.

ClinVar aggregate classification (germline): Likely pathogenic (1 of 4 stars; one submission).

Conditions:
AHDC1-related intellectual disability - obstructive sleep apnea - mild dysmorphism syndrome. Also called: Xia-Gibbs syndrome. Identifiers: Orphanet 412069, MedGen C4014419, MONDO:0014358, OMIM 615829.

Submission:

GeneDx
Classification: Likely pathogenic. Last evaluated: 2018-05-11. Review status: criteria provided, single submitter. Criteria: GeneDx Variant Classification (06012015). Collection method: clinical testing. Allele origin: germline. Affected: yes.
Comment: The c.1167delG variant in the AHDC1 gene has not been reported previously as a pathogenic variant nor as a benign variant, to our knowledge. The c.1167delG variant causes a frameshift starting with codon Arginine 389, changes this amino acid to a Serine residue, and creates a premature Stop codon at position 63 of the new reading frame, denoted p.Arg389SerfsX63. This variant is predicted to cause loss of normal protein function through protein truncation as the last 1215 amino acids are lost and replaced with 62 incorrect amino acids. The c.1167delG variant is not observed in large population cohorts (Lek et al., 2016).